The following is an entry in ClinVar:

NM_000393.5(COL5A2):c.3133G>A (p.Glu1045Lys)

Gene: COL5A2 (collagen type V alpha 2 chain; minus strand). Cytogenetic location: 2q32.2.
Variant type: single nucleotide variant.
Coding change: c.3133G>A on transcript NM_000393.5 (MANE Select); coding-DNA position 3133, G replaced by A.
Protein change: p.Glu1045Lys; replaces glutamic acid 1045 with lysine.
Molecular consequence: missense variant.
Genome position (GRCh38, 1-based): chr2:189,049,361, C>T on the plus strand (G>A on the coding strand, the complement: COL5A2 is on the minus strand). VCF-style: chr2-189049361-C-T. GRCh37 (hg19) VCF-style: chr2-189914087-C-T.
Other names: short protein forms E1045K.
Identifiers: ClinVar variation 4798079 (VCV004798079.1).

ClinVar aggregate classification (germline): Uncertain significance (1 of 4 stars; one submission).

Conditions:
Ehlers-Danlos syndrome, classic type, 1 (EDSCL1). Also called: EHLERS-DANLOS SYNDROME, GRAVIS TYPE; EHLERS-DANLOS SYNDROME, SEVERE CLASSIC TYPE; Ehlers-Danlos syndrome, type 1; Ehlers-Danlos Syndrome, Classic Type, COL5A1-Related; EDS I. Identifiers: MedGen C0268335, MONDO:0019567, OMIM 130000.

gnomAD v4.1: 2 of 1,610,194 alleles (0.00012%); highest among the groups gnomAD compares: Non-Finnish European, 0.00017%; no homozygotes.

Submission:

Labcorp Genetics (formerly Invitae), Labcorp
Classification: Uncertain significance for Ehlers-Danlos syndrome, classic type, 1. Last evaluated: 2025-06-01. Review status: criteria provided, single submitter. Criteria: Invitae Variant Classification Sherloc (09022015). Collection method: clinical testing. Allele origin: germline.
Comment: This sequence change replaces glutamic acid, which is acidic and polar, with lysine, which is basic and polar, at codon 1045 of the COL5A2 protein (p.Glu1045Lys). This variant is not present in population databases (gnomAD no frequency). This variant has not been reported in the literature in individuals affected with COL5A2-related conditions. Invitae Evidence Modeling of protein sequence and biophysical properties (such as structural, functional, and spatial information, amino acid conservation, physicochemical variation, residue mobility, and thermodynamic stability) indicates that this missense variant is not expected to disrupt COL5A2 protein function with a negative predictive value of 80%. In summary, the available evidence is currently insufficient to determine the role of this variant in disease. Therefore, it has been classified as a Variant of Uncertain Significance.